The following is an entry in ClinVar:

ClinVar aggregate classification (germline): Uncertain significance (1 of 4 stars; one submission).

Submission:

Labcorp Genetics (formerly Invitae), Labcorp
Classification: Uncertain significance. Last evaluated: 2024-02-05. Review status: criteria provided, single submitter. Criteria: Invitae Variant Classification Sherloc (09022015). Collection method: clinical testing. Allele origin: germline.
Comment: This variant, c.33_34delinsGA, is a complex sequence change that results in the deletion of 2 and insertion of 2 amino acid(s) in the MRPS34 protein (p.Ile11_Ala12delinsMetThr). Information on the frequency of this variant in the gnomAD database is not available, as this variant may be reported differently in the database. This variant has not been reported in the literature in individuals affected with MRPS34-related conditions. Experimental studies and prediction algorithms are not available or were not evaluated, and the functional significance of this variant is currently unknown. In summary, the available evidence is currently insufficient to determine the role of this variant in disease. Therefore, it has been classified as a Variant of Uncertain Significance.

NM_023936.2(MRPS34):c.33_34delinsGA (p.Ile11_Ala12delinsMetThr)

Genes: EME2 (essential meiotic structure-specific endonuclease subunit 2; plus strand), MRPS34 (mitochondrial ribosomal protein S34; minus strand), LOC130058184 (ATAC-STARR-seq lymphoblastoid active region 10237; plus strand). Cytogenetic location: 16p13.3.
Variant type: Indel.
Coding change: c.33_34delinsGA on transcript NM_023936.2 (MANE Select); coding-DNA positions 33 to 34, CG replaced by GA.
Protein change: p.Ile11_Ala12delinsMetThr.
Molecular consequence: missense variant. On other transcripts: 5 prime UTR variant (1).
Genome position (GRCh38, 1-based): chr16:1,773,086-1,773,087, CG replaced by TC on the plus strand (CG replaced by GA on the coding strand, the reverse complement: MRPS34 is on the minus strand). VCF-style: chr16-1773086-CG-TC. GRCh37 (hg19) VCF-style: chr16-1823087-CG-TC.
Other names: c.-142_-141delinsTC (NM_001257370.2); c.33_34delinsGA, p.Ile11_Ala12delinsMetThr (NM_001300900.2).
Identifiers: ClinVar variation 2779083 (VCV002779083.3), dbSNP rs2548134647, ClinGen allele CA2739269871.